The following is an entry in ClinVar:

ClinVar aggregate classification (germline): Uncertain significance (1 of 4 stars; one submission).

Conditions:
Charcot-Marie-Tooth disease, demyelinating, IIA 1I. Also called: CHARCOT-MARIE-TOOTH NEUROPATHY, TYPE 1I; Charcot-Marie-Tooth disease, demyelinating, type 1I. Identifiers: MedGen C5676914, MONDO:0030677, OMIM 619742.

gnomAD v4.1: 8 of 1,613,350 alleles (0.0005%); highest among the groups gnomAD compares: East Asian, 0.0022%; no homozygotes.

Submission:

Juno Genomics, Hangzhou Juno Genomics, Inc
Classification: Uncertain significance for Charcot-Marie-Tooth disease, demyelinating, IIA 1I. Review status: criteria provided, single submitter. Criteria: ACMG Guidelines, 2015. Collection method: clinical testing. Allele origin: germline. Affected: yes.
Comment: Absent from controls (or at extremely low frequency if recessive) in Genome Aggregation Database, Exome Sequencing Project, 1000 Genomes Project, or Exome Aggregation Consortium.;Multiple lines of computational evidence support a deleterious effect on the gene or gene product (conservation, evolutionary, splicing impact, etc).;Missense variant in a gene that has a low rate of benign missense variation and where missense variants are a common mechanism of disease.

NM_018082.6(POLR3B):c.1996G>A (p.Gly666Ser)

Gene: POLR3B (RNA polymerase III subunit B; plus strand). Cytogenetic location: 12q23.3.
Variant type: single nucleotide variant.
Coding change: c.1996G>A on transcript NM_018082.6 (MANE Select); coding-DNA position 1996, G replaced by A.
Protein change: p.Gly666Ser; replaces glycine 666 with serine.
Molecular consequence: missense variant.
Genome position (GRCh38, 1-based): chr12:106,444,503, G>A. VCF-style: chr12-106444503-G-A. GRCh37 (hg19) VCF-style: chr12-106838281-G-A.
Other names: c.1822G>A, p.Gly608Ser (NM_001160708.2); short protein forms G608S, G666S.
Identifiers: ClinVar variation 3383059 (VCV003383059.2).
Genomic context (GRCh38, chr12:106,444,503, plus strand): 5'-ATTTTTACTTAACTTGTTAGAGACACCACCCACTTGGAGATTGAACCCTTCACTCTTCTC[G>A]GCGTGTGTGCTGGACTTATCCCATACCCTCACCATAACCAGTCACCGAGAAACACTTATC-3'
Protein context (NP_060552.4, residues 656-676): HLEIEPFTLL[Gly666Ser]VCAGLIPYPH